The following is an entry in ClinVar:

NM_017654.4(SAMD9):c.1793A>G (p.Gln598Arg)

Gene: SAMD9 (sterile alpha motif domain containing 9; minus strand). Cytogenetic location: 7q21.2.
Variant type: single nucleotide variant.
Coding change: c.1793A>G on transcript NM_017654.4 (MANE Select); coding-DNA position 1793, A replaced by G.
Protein change: p.Gln598Arg; replaces glutamine 598 with arginine.
Molecular consequence: missense variant.
Genome position (GRCh38, 1-based): chr7:93,104,305, T>C on the plus strand (A>G on the coding strand, the complement: SAMD9 is on the minus strand). VCF-style: chr7-93104305-T-C. GRCh37 (hg19) VCF-style: chr7-92733618-T-C.
Other names: c.1793A>G, p.Gln598Arg (NM_001193307.2); short protein forms Q598R.
Identifiers: ClinVar variation 4863891 (VCV004863891.1).

ClinVar aggregate classification (germline): Uncertain significance (1 of 4 stars; one submission).

Conditions:
Inborn genetic diseases. Identifiers: MedGen C0950123, MeSH D030342.

Submission:

Ambry Genetics
Classification: Uncertain significance for Inborn genetic diseases. Last evaluated: 2026-06-09. Review status: criteria provided, single submitter. Criteria: Ambry Variant Classification Scheme 2023. Collection method: clinical testing. Allele origin: germline.
Comment: The p.Q598R variant (also known as c.1793A>G), located in coding exon 1 of the SAMD9 gene, results from an A to G substitution at nucleotide position 1793. The glutamine at codon 598 is replaced by arginine, an amino acid with highly similar properties. This amino acid position is conserved. In addition, this alteration is predicted to be tolerated by in silico analysis. Based on the available evidence, the clinical significance of this variant remains unclear.